The following is an entry in ClinVar:

ClinVar aggregate classification (germline): Benign/Likely benign. Review status: criteria provided, multiple submitters, no conflicts (2 of 4 stars). 5 submissions from 5 submitters: Benign (2); Likely benign (2). 1 of the submissions does not count toward it. Last evaluated 2025-12-15.

Conditions:
AFF4-related disorder. Also called: AFF4-related condition.
Cognitive impairment - coarse facies - heart defects - obesity - pulmonary involvement - short stature - skeletal dysplasia syndrome. Also called: AFF4-Related CHOPS Syndrome; COGNITIVE IMPAIRMENT, COARSE FACIES, HEART DEFECTS, OBESITY, PULMONARY INVOLVEMENT, SHORT STATURE, AND SKELETAL DYSPLASIA; Chops syndrome. Identifiers: Orphanet 444077, MedGen C4085597, MONDO:0014609, OMIM 616368.

Allele frequency attached by ClinVar (database versions not stated): gnomAD exomes 0.00010 and 0.00029; ExAC 0.00029; 1000 Genomes Project 30x 0.00031; 1000 Genomes Project 0.00040; gnomAD 0.00108 and 0.00121; TOPMed 0.00113; ESP Exome Variant Server 0.00185.
gnomAD v4.1: 318 of 1,614,172 alleles (0.02%); highest among the groups gnomAD compares: African/African-American, 0.39%; no homozygotes.

Submissions (5):

Labcorp Genetics (formerly Invitae), Labcorp
Classification: Benign for Cognitive impairment - coarse facies - heart defects - obesity - pulmonary involvement - short stature - skeletal dysplasia syndrome. Last evaluated: 2025-12-15. Review status: criteria provided, single submitter. Criteria: Invitae Variant Classification Sherloc (09022015). Collection method: clinical testing. Allele origin: germline.

Blueprint Genetics
Classification: Likely benign. Last evaluated: 2024-09-13. Review status: criteria provided, single submitter. Criteria: ACMG Guidelines, 2015. Collection method: clinical testing. Allele origin: germline.

Genome-Nilou Lab
Classification: Benign for Cognitive impairment - coarse facies - heart defects - obesity - pulmonary involvement - short stature - skeletal dysplasia syndrome. Last evaluated: 2021-12-05. Review status: criteria provided, single submitter. Criteria: ACMG Guidelines, 2015. Collection method: clinical testing. Allele origin: germline. Affected: no.

Genetic Services Laboratory, University of Chicago
Classification: Likely benign. Last evaluated: 2018-07-14. Review status: criteria provided, single submitter. Criteria: ACMG Guidelines, 2015. Collection method: clinical testing. Allele origin: germline. Affected: no.

PreventionGenetics, part of Exact Sciences
Classification: Likely benign for AFF4-related condition. Last evaluated: 2024-01-08. Review status: no assertion criteria provided. Collection method: clinical testing. Allele origin: germline. Not counted in ClinVar's aggregate classification.
Comment: This variant is classified as likely benign based on ACMG/AMP sequence variant interpretation guidelines (Richards et al. 2015 PMID: 25741868, with internal and published modifications).

NM_014423.4(AFF4):c.1530C>T (p.Gly510=)

Gene: AFF4 (ALF transcription elongation factor 4; minus strand). Cytogenetic location: 5q31.1.
Variant type: single nucleotide variant.
Coding change: c.1530C>T on transcript NM_014423.4 (MANE Select); coding-DNA position 1530, C replaced by T.
Protein change: p.Gly510=; no amino-acid change (glycine 510 retained).
Molecular consequence: synonymous variant.
Genome position (GRCh38, 1-based): chr5:132,897,100, G>A on the plus strand (C>T on the coding strand, the complement: AFF4 is on the minus strand). VCF-style: chr5-132897100-G-A. GRCh37 (hg19) VCF-style: chr5-132232792-G-A.
Identifiers: ClinVar variation 772246 (VCV000772246.14), dbSNP rs139523666, ClinGen allele CA3409078.